The following is an entry in ClinVar:

ClinVar aggregate classification (germline): Uncertain significance. Review status: criteria provided, multiple submitters, no conflicts (2 of 4 stars). 2 submissions from 2 submitters: Uncertain significance (2). Last evaluated 2023-10-04.

Conditions:
Cardiovascular phenotype. Identifiers: MedGen CN230736.
Arrhythmogenic cardiomyopathy with wooly hair and keratoderma. Also called: Dilated cardiomyopathy with woolly hair and keratoderma; Arrhythmogenic cardiomyopathy with woolly hair and keratoderma; PALMOPLANTAR KERATODERMA WITH LEFT VENTRICULAR CARDIOMYOPATHY AND WOOLLY HAIR; Carvajal syndrome. Identifiers: Orphanet 65282, MedGen C1854063, MONDO:0011581, OMIM 605676.
Arrhythmogenic right ventricular dysplasia 8 (ARVD8). Also called: Arrhythmogenic Right Ventricular Dysplasia/Cardiomyopathy 8; ARRHYTHMOGENIC RIGHT VENTRICULAR DYSPLASIA, FAMILIAL, 8; ARRHYTHMOGENIC RIGHT VENTRICULAR CARDIOMYOPATHY 8. Identifiers: MedGen C1843896, MONDO:0011831, OMIM 607450.

Submissions (2):

Labcorp Genetics (formerly Invitae), Labcorp
Classification: Uncertain significance for Arrhythmogenic cardiomyopathy with wooly hair and keratoderma; Arrhythmogenic right ventricular dysplasia 8. Last evaluated: 2023-10-04. Review status: criteria provided, single submitter. Criteria: Invitae Variant Classification Sherloc (09022015). Collection method: clinical testing. Allele origin: germline.
Comment: This variant, c.8599_8601del, results in the deletion of 1 amino acid(s) of the DSP protein (p.Ser2868del), but otherwise preserves the integrity of the reading frame. This variant is not present in population databases (gnomAD no frequency). This variant has not been reported in the literature in individuals affected with DSP-related conditions. ClinVar contains an entry for this variant (Variation ID: 1763964). Experimental studies and prediction algorithms are not available or were not evaluated, and the functional significance of this variant is currently unknown. In summary, the available evidence is currently insufficient to determine the role of this variant in disease. Therefore, it has been classified as a Variant of Uncertain Significance.

Ambry Genetics
Classification: Uncertain significance for Cardiovascular phenotype. Last evaluated: 2022-03-10. Review status: criteria provided, single submitter. Criteria: Ambry Variant Classification Scheme 2023. Collection method: clinical testing. Allele origin: germline.
Comment: The c.8599_8601delAGT variant (also known as p.S2868del) is located in coding exon 24 of the DSP gene. This variant results from an in-frame AGT deletion at nucleotide positions 8599 to 8601. This results in the in-frame deletion of a serine at codon 2868. This amino acid position is highly conserved in available vertebrate species. In addition, the in silico prediction for this alteration is inconclusive (Choi Y et al. PLoS ONE. 2012; 7(10):e46688). Since supporting evidence is limited at this time, the clinical significance of this alteration remains unclear.

NM_004415.4(DSP):c.8596AGT[1] (p.Ser2868del)

Gene: DSP (desmoplakin; plus strand). Cytogenetic location: 6p24.3.
Variant type: Microsatellite.
Coding change: c.8596AGT[1] on transcript NM_004415.4 (MANE Select); one copy of the 3-base unit AGT starting at c.8596; the reference has two copies in a row; one copy, 3 bases deleted.
Protein change: p.Ser2868del; deletes serine 2868.
Molecular consequence: inframe deletion. On other transcripts: inframe indel (2).
Genome position (GRCh38, 1-based): chr6:7,585,861-7,585,863, AGT deleted; deleting any 3 consecutive bases within chr6:7,585,858-7,585,863 gives the same sequence; the position shown is the placement nearest the transcript's 3' end. VCF-style (leftmost placement, unchanged base first): chr6-7585857-CAGT-C. GRCh37 (hg19) VCF-style: chr6-7586090-CAGT-C.
Other names: c.6799AGT[1], p.Ser2269del (NM_001008844.3); c.7267AGT[1], p.Ser2425del (NM_001319034.2); c.8596_8598AGT[1], p.Ser2868del (NM_004415.2); c.8599_8601delAGT (NM_004415.2); short protein forms S2425del, S2269del, S2868del.
Identifiers: ClinVar variation 1763964 (VCV001763964.7), dbSNP rs1181157522, ClinGen allele CA828147543.
Genomic context (GRCh38, chr6:7,585,857, plus strand): 5'-CCGGAGAGGAAGCTTTGACGCCACAGGGAATTCTTCCTACTCTTATTCCTACTCATTTAG[CAGT>C]AGTTCTATTGGGCACTAGTAGTCAGTTGGGAGTGGTTGCTATACCTTGACTTCATTTATA-3'